The following is an entry in ClinVar:

ClinVar aggregate classification (germline): Likely benign. Review status: criteria provided, multiple submitters, no conflicts (2 of 4 stars). 3 submissions from 3 submitters: Likely benign (2). 1 of the submissions does not count toward it. Last evaluated 2023-12-15.

Conditions:
PLCG2-related disorder. Also called: PLCG2-related condition.
Familial cold autoinflammatory syndrome 3 (FCAS3). Also called: ANTIBODY DEFICIENCY AND IMMUNE DYSREGULATION, PLCG2-ASSOCIATED; FAMILIAL ATYPICAL COLD URTICARIA. Identifiers: Orphanet 300359, MedGen C3280914, MONDO:0013766, OMIM 614468.
Autoinflammation-PLCG2-associated antibody deficiency-immune dysregulation. Also called: Autoinflammation, antibody deficiency, and immune dysregulation, plcg2-associated; Autoinflammation, antibody deficiency, and immune dysregulation syndrome; AUTOINFLAMMATION, ANTIBODY DEFICIENCY, AND IMMUNE DYSREGULATION. Identifiers: Orphanet 324530, MedGen C3553961, MONDO:0013944, OMIM 614878.

Allele frequency attached by ClinVar (database versions not stated): gnomAD exomes 0.00002 and 0.00001; TOPMed 0.00003; gnomAD 0.00001; ESP Exome Variant Server 0.00008.
gnomAD v4.1: 11 of 1,611,878 alleles (0.00068%); highest among the groups gnomAD compares: African/African-American, 0.012%; no homozygotes.

Submissions (3):

Labcorp Genetics (formerly Invitae), Labcorp
Classification: Likely benign for Familial cold autoinflammatory syndrome 3. Last evaluated: 2023-12-15. Review status: criteria provided, single submitter. Criteria: Invitae Variant Classification Sherloc (09022015). Collection method: clinical testing. Allele origin: germline.

Fulgent Genetics
Classification: Likely benign for Familial cold autoinflammatory syndrome 3; Autoinflammation-PLCG2-associated antibody deficiency-immune dysregulation. Last evaluated: 2021-08-03. Review status: criteria provided, single submitter. Criteria: ACMG Guidelines, 2015. Collection method: clinical testing. Allele origin: unknown.

PreventionGenetics, part of Exact Sciences
Classification: Likely benign for PLCG2-related condition. Last evaluated: 2020-07-20. Review status: no assertion criteria provided. Collection method: clinical testing. Allele origin: germline. Not counted in ClinVar's aggregate classification.
Comment: This variant is classified as likely benign based on ACMG/AMP sequence variant interpretation guidelines (Richards et al. 2015 PMID: 25741868, with internal and published modifications).

NM_002661.5(PLCG2):c.1236G>A (p.Glu412=)

Gene: PLCG2 (phospholipase C gamma 2; plus strand). Cytogenetic location: 16q23.3.
Variant type: single nucleotide variant.
Coding change: c.1236G>A on transcript NM_002661.5 (MANE Select); coding-DNA position 1236, G replaced by A.
Protein change: p.Glu412=; no amino-acid change (glutamic acid 412 retained).
Molecular consequence: synonymous variant.
Genome position (GRCh38, 1-based): chr16:81,900,654, G>A. VCF-style: chr16-81900654-G-A. GRCh37 (hg19) VCF-style: chr16-81934259-G-A.
Identifiers: ClinVar variation 540120 (VCV000540120.15), dbSNP rs372240617, ClinGen allele CA285138577.